The following is an entry in ClinVar:

ClinVar aggregate classification (germline): Uncertain significance (1 of 4 stars; one submission).

Conditions:
Joubert syndrome. Also called: CEREBELLOPARENCHYMAL DISORDER IV; JOUBERT-BOLTSHAUSER SYNDROME; Familial aplasia of the vermis. Identifiers: Orphanet 475, MedGen C5979921, MONDO:0018772.
Meckel-Gruber syndrome. Also called: DYSENCEPHALIA SPLANCHNOCYSTICA; GRUBER SYNDROME; Dysencephalia splachnocystica. Identifiers: Orphanet 564, MedGen C0265215, MONDO:0018921.

gnomAD v4.1: 1 of 1,613,994 alleles (0.000062%); highest among the groups gnomAD compares: South Asian, 0.0011%; no homozygotes.

Submission:

Labcorp Genetics (formerly Invitae), Labcorp
Classification: Uncertain significance for Joubert syndrome; Meckel-Gruber syndrome. Last evaluated: 2024-04-25. Review status: criteria provided, single submitter. Criteria: Invitae Variant Classification Sherloc (09022015). Collection method: clinical testing. Allele origin: germline.
Comment: This sequence change replaces arginine, which is basic and polar, with glycine, which is neutral and non-polar, at codon 497 of the TCTN1 protein (p.Arg497Gly). This variant is not present in population databases (gnomAD no frequency). This variant has not been reported in the literature in individuals affected with TCTN1-related conditions. Advanced modeling of protein sequence and biophysical properties (such as structural, functional, and spatial information, amino acid conservation, physicochemical variation, residue mobility, and thermodynamic stability) performed at Invitae indicates that this missense variant is not expected to disrupt TCTN1 protein function with a negative predictive value of 80%. In summary, the available evidence is currently insufficient to determine the role of this variant in disease. Therefore, it has been classified as a Variant of Uncertain Significance.

NM_001082538.3(TCTN1):c.1489A>G (p.Arg497Gly)

Gene: TCTN1 (tectonic family member 1; plus strand). Cytogenetic location: 12q24.11.
Variant type: single nucleotide variant.
Coding change: c.1489A>G on transcript NM_001082538.3 (MANE Select); coding-DNA position 1489, A replaced by G.
Protein change: p.Arg497Gly; replaces arginine 497 with glycine.
Molecular consequence: missense variant. On other transcripts: non-coding transcript variant (1).
Genome position (GRCh38, 1-based): chr12:110,645,124, A>G. VCF-style: chr12-110645124-A-G. GRCh37 (hg19) VCF-style: chr12-111082929-A-G.
Other names: c.1489A>G, p.Arg497Gly (NM_001082537.3); c.1321A>G, p.Arg441Gly (NM_001173975.3); c.1162A>G, p.Arg388Gly (NM_001173976.2); c.1342A>G, p.Arg448Gly (NM_001319680.2); c.955A>G, p.Arg319Gly (NM_001319681.2); c.1447A>G, p.Arg483Gly (NM_024549.6); short protein forms R319G, R388G, R441G, R448G, R483G, R497G.
Identifiers: ClinVar variation 3756068 (VCV003756068.2).